The following is an entry in ClinVar:

NM_015072.5(TTLL5):c.1634A>T (p.Lys545Met)

Gene: TTLL5 (tubulin tyrosine ligase like 5; plus strand). Cytogenetic location: 14q24.3.
Variant type: single nucleotide variant.
Coding change: c.1634A>T on transcript NM_015072.5 (MANE Select); coding-DNA position 1634, A replaced by T.
Protein change: p.Lys545Met; replaces lysine 545 with methionine.
Molecular consequence: missense variant.
Genome position (GRCh38, 1-based): chr14:75,764,698, A>T. VCF-style: chr14-75764698-A-T. GRCh37 (hg19) VCF-style: chr14-76231041-A-T.
Other names: short protein forms K545M.
Identifiers: ClinVar variation 1015008 (VCV001015008.9), dbSNP rs1464081739, ClinGen allele CA390466403.
Genomic context (GRCh38, chr14:75,764,698, plus strand): 5'-AATTGAAGATAGAGAGTCTGAATTCAAAGGCCAAGCTGCATGCTGCACTTTACGAGAGGA[A>T]GCTCCTGTCTCTGGAGGTGCGAAAACGTAGACGACGGAGTAGCAGATTGAGGGCAATGAG-3'
Protein context (NP_055887.3, residues 535-555): AKLHAALYER[Lys545Met]LLSLEVRKRR

ClinVar aggregate classification (germline): Uncertain significance (1 of 4 stars; one submission).

Allele frequency attached by ClinVar (database versions not stated): gnomAD exomes 0.00001.
gnomAD v4.1: 10 of 1,614,178 alleles (0.00062%); highest among the groups gnomAD compares: Non-Finnish European, 0.00085%; no homozygotes.

Submission:

Labcorp Genetics (formerly Invitae), Labcorp
Classification: Uncertain significance. Last evaluated: 2020-02-18. Review status: criteria provided, single submitter. Criteria: Invitae Variant Classification Sherloc (09022015). Collection method: clinical testing. Allele origin: germline.
Comment: This variant is not present in population databases (ExAC no frequency). This sequence change replaces lysine with methionine at codon 545 of the TTLL5 protein (p.Lys545Met). The lysine residue is highly conserved and there is a moderate physicochemical difference between lysine and methionine. This variant has not been reported in the literature in individuals with TTLL5-related conditions. Algorithms developed to predict the effect of missense changes on protein structure and function are either unavailable or do not agree on the potential impact of this missense change (SIFT: "Deleterious"; PolyPhen-2: "Probably Damaging"; Align-GVGD: "Class C0"). In summary, the available evidence is currently insufficient to determine the role of this variant in disease. Therefore, it has been classified as a Variant of Uncertain Significance.